The following is an entry in ClinVar:

ClinVar aggregate classification (germline): Pathogenic. Review status: criteria provided, multiple submitters, no conflicts (2 of 4 stars). 5 submissions from 5 submitters: Pathogenic (3). 2 of the submissions do not count toward it. Last evaluated 2026-01-27.

Conditions:
Neuronal ceroid lipofuscinosis 2. Also called: TPP1-Related Neuronal Ceroid-Lipofuscinosis; JANSKY-BIELSCHOWSKY DISEASE NEURONAL CEROID LIPOFUSCINOSIS, LATE INFANTILE. Identifiers: Orphanet 168491, Orphanet 228349, Orphanet 79264, MedGen C1876161, MONDO:0008769, OMIM 204500.

Submissions (5):

3billion
Classification: Pathogenic for Neuronal ceroid lipofuscinosis 2. Last evaluated: 2026-01-27. Review status: criteria provided, single submitter. Criteria: ACMG Guidelines, 2015. Collection method: clinical testing. Allele origin: germline. Affected: yes.
Comment: The variant is observed at an extremely low frequency in the gnomAD v4.1.0 dataset (total allele frequency: <0.001%). Predicted Consequence/Location: Stop-gained (nonsense): predicted to result in a loss or disruption of normal protein function through protein truncation. The predicted truncated protein may be shortened by less than 10%. The variant has been reported to be in trans with a pathogenic variant as either compound heterozygous or homozygous in at least one similarly affected unrelated individual (PMID: 30541466 /3billion dataset). The variant has been reported at least twice as pathogenic with clinical assertions and evidence for the classification (ClinVar ID: VCV000553269 /PMID: 21990111). Therefore, this variant is classified as Pathogenic according to the recommendation of ACMG/AMP guideline.

Labcorp Genetics (formerly Invitae), Labcorp
Classification: Pathogenic. Last evaluated: 2024-02-07. Review status: criteria provided, single submitter. Criteria: Invitae Variant Classification Sherloc (09022015). Collection method: clinical testing. Allele origin: germline.
Comment: This sequence change creates a premature translational stop signal (p.Phe516*) in the TPP1 gene. While this is not anticipated to result in nonsense mediated decay, it is expected to disrupt the last 48 amino acid(s) of the TPP1 protein. This variant is present in population databases (rs763961289, gnomAD 0.003%). This premature translational stop signal has been observed in individual(s) with neuronal ceroid lipofuscinosis (PMID: 21990111, 30541466). ClinVar contains an entry for this variant (Variation ID: 553269). This variant disrupts a region of the TPP1 protein in which other variant(s) (p.Trp542*) have been determined to be pathogenic (PMID: 31283065; Invitae). This suggests that this is a clinically significant region of the protein, and that variants that disrupt it are likely to be disease-causing. For these reasons, this variant has been classified as Pathogenic.

Revvity Omics, Revvity
Classification: Pathogenic. Last evaluated: 2022-11-13. Review status: criteria provided, single submitter. Criteria: ACMG Guidelines, 2015. Collection method: clinical testing. Allele origin: germline.

Natera, Inc.
Classification: Pathogenic for Neuronal ceroid lipofuscinosis 2. Last evaluated: 2021-04-13. Review status: no assertion criteria provided. Collection method: clinical testing. Allele origin: germline. Not counted in ClinVar's aggregate classification.

Counsyl
Classification: Uncertain significance for Neuronal ceroid lipofuscinosis 2. Last evaluated: 2017-08-10. Review status: no assertion criteria provided. Collection method: clinical testing. Allele origin: unknown. Not counted in ClinVar's aggregate classification.

Literature cited by the submitters: PubMed 21990111 (cited by 3 submitters); PubMed 30541466 (cited by 3billion and Labcorp Genetics (formerly Invitae), Labcorp); PubMed 31283065 (cited by Labcorp Genetics (formerly Invitae), Labcorp); PubMed 16880378 (cited by Counsyl).

NM_000391.4(TPP1):c.1547_1548del (p.Leu515_Phe516insTer)

Gene: TPP1 (tripeptidyl peptidase 1; minus strand). Cytogenetic location: 11p15.4.
Variant type: Deletion.
Coding change: c.1547_1548del on transcript NM_000391.4 (MANE Select); coding-DNA positions 1547 to 1548, 2 bases deleted (TT; older notation c.1547_1548delTT).
Protein change: p.Leu515_Phe516insTer.
Molecular consequence: nonsense.
Genome position (GRCh38, 1-based): chr11:6,614,869-6,614,870, AA deleted on the plus strand (TT on the coding strand, the reverse complement: TPP1 is on the minus strand); deleting any 2 consecutive bases within chr11:6,614,869-6,614,871 gives the same sequence; the c. name uses the placement nearest the transcript's 3' end. VCF-style (leftmost placement, unchanged base first): chr11-6614868-CAA-C. GRCh37 (hg19) VCF-style: chr11-6636099-CAA-C.
Other names: c.1547_1548del (NM_000391.3).
Identifiers: ClinVar variation 553269 (VCV000553269.18), dbSNP rs763961289, ClinGen allele CA5858622.
Genomic context (GRCh38, chr11:6,614,868, plus strand): 5'-CCCTTAGCACTCCCCATAGTTGTTTGAAAACGTCCACACCCTTCCCTTCCATACTTACAT[CAA>C]AGAGTCCTGCCCCATGCTGCTGGTAGAGCCTTGGGTTGAGAAAGCCAAGAGGGGGGCGGC-3'